The following is an entry in ClinVar:

NM_020988.3(GNAO1):c.723+7057C>T

Gene: GNAO1 (G protein subunit alpha o1; plus strand). Cytogenetic location: 16q13.
Variant type: single nucleotide variant.
Coding change: c.723+7057C>T on transcript NM_020988.3 (MANE Select); 7057 bases into the intron after coding-DNA position 723, C replaced by T.
Molecular consequence: intron variant. On other transcripts: synonymous variant (1).
Genome position (GRCh38, 1-based): chr16:56,343,917, C>T. VCF-style: chr16-56343917-C-T. GRCh37 (hg19) VCF-style: chr16-56377829-C-T.
Other names: c.1032C>T, p.Ile344= (NM_138736.3).
Identifiers: ClinVar variation 4280931 (VCV004280931.7).

ClinVar aggregate classification (germline): Likely benign (1 of 4 stars; one submission).

gnomAD v4.1: 117 of 1,614,102 alleles (0.0072%); highest among the groups gnomAD compares: Non-Finnish European, 0.0092%; no homozygotes.

Submission:

CeGaT Center for Human Genetics Tuebingen
Classification: Likely benign. Last evaluated: 2025-09-01. Review status: criteria provided, single submitter. Criteria: CeGaT Center For Human Genetics Tuebingen Variant Classification Criteria Version 2. Collection method: clinical testing. Allele origin: germline. Affected: yes. Observed: 1 variant allele.
Comment: GNAO1: BP4, BP7